The following is an entry in ClinVar:

ClinVar aggregate classification (germline): Uncertain significance (1 of 4 stars; one submission).

Conditions:
Hereditary cancer-predisposing syndrome. Also called: Tumor predisposition; Hereditary neoplastic syndrome; Hereditary Cancer Syndrome; Neoplastic Syndromes, Hereditary. Identifiers: Orphanet 140162, MedGen C0027672, MeSH D009386, MONDO:0015356.

Submission:

Ambry Genetics
Classification: Uncertain significance for Hereditary cancer-predisposing syndrome. Last evaluated: 2022-11-02. Review status: criteria provided, single submitter. Criteria: Ambry Variant Classification Scheme 2023. Collection method: clinical testing. Allele origin: germline.
Comment: The p.T83A variant (also known as c.247A>G), located in coding exon 3 of the XRCC2 gene, results from an A to G substitution at nucleotide position 247. The threonine at codon 83 is replaced by alanine, an amino acid with similar properties. This amino acid position is conserved. In addition, this alteration is predicted to be tolerated by in silico analysis. Since supporting evidence is limited at this time, the clinical significance of this alteration remains unclear.

NM_005431.2(XRCC2):c.247A>G (p.Thr83Ala)

Gene: XRCC2 (X-ray repair cross complementing 2; minus strand). Cytogenetic location: 7q36.1.
Variant type: single nucleotide variant.
Coding change: c.247A>G on transcript NM_005431.2 (MANE Select); coding-DNA position 247, A replaced by G.
Protein change: p.Thr83Ala; replaces threonine 83 with alanine.
Molecular consequence: missense variant.
Genome position (GRCh38, 1-based): chr7:152,649,238, T>C on the plus strand (A>G on the coding strand, the complement: XRCC2 is on the minus strand). VCF-style: chr7-152649238-T-C. GRCh37 (hg19) VCF-style: chr7-152346323-T-C.
Other names: short protein forms T83A.
Identifiers: ClinVar variation 3224668 (VCV003224668.1), dbSNP rs2485881806, ClinGen allele CA370199117.